The following is an entry in ClinVar:

NM_006206.6(PDGFRA):c.3037A>G (p.Ser1013Gly)

Gene: PDGFRA (platelet derived growth factor receptor alpha; plus strand). Cytogenetic location: 4q12.
Variant type: single nucleotide variant.
Coding change: c.3037A>G on transcript NM_006206.6 (MANE Select); coding-DNA position 3037, A replaced by G.
Protein change: p.Ser1013Gly; replaces serine 1013 with glycine.
Molecular consequence: missense variant.
Genome position (GRCh38, 1-based): chr4:54,290,469, A>G. VCF-style: chr4-54290469-A-G. GRCh37 (hg19) VCF-style: chr4-55156636-A-G.
Other names: c.3112A>G, p.Ser1038Gly (NM_001347828.2); c.3037A>G, p.Ser1013Gly (NM_001347829.2); c.3076A>G, p.Ser1026Gly (NM_001347830.2); short protein forms S1026G, S1038G, S1013G.
Identifiers: ClinVar variation 2803891 (VCV002803891.4), dbSNP rs2475565986, ClinGen allele CA356896243.

ClinVar aggregate classification (germline): Uncertain significance. Review status: criteria provided, multiple submitters, no conflicts (2 of 4 stars). 2 submissions from 2 submitters: Uncertain significance (2). Last evaluated 2025-01-23.

Conditions:
Gastrointestinal stromal tumor. Also called: Gastrointestinal stromal tumor, somatic; Gastrointestinal stroma tumor. Identifiers: Orphanet 44890, MedGen C0238198, MeSH D046152, MONDO:0011719, OMIM 606764, HP:0100723.
Hereditary cancer-predisposing syndrome. Also called: Neoplastic Syndromes, Hereditary; Tumor predisposition; Hereditary Cancer Syndrome; Hereditary neoplastic syndrome. Identifiers: Orphanet 140162, MedGen C0027672, MeSH D009386, MONDO:0015356.

Submissions (2):

Labcorp Genetics (formerly Invitae), Labcorp
Classification: Uncertain significance for Gastrointestinal stromal tumor. Last evaluated: 2025-01-23. Review status: criteria provided, single submitter. Criteria: Invitae Variant Classification Sherloc (09022015). Collection method: clinical testing. Allele origin: germline.
Comment: This sequence change replaces serine, which is neutral and polar, with glycine, which is neutral and non-polar, at codon 1013 of the PDGFRA protein (p.Ser1013Gly). This variant is not present in population databases (gnomAD no frequency). This variant has not been reported in the literature in individuals affected with PDGFRA-related conditions. ClinVar contains an entry for this variant (Variation ID: 2803891). An algorithm developed to predict the effect of missense changes on protein structure and function (PolyPhen-2) suggests that this variant is likely to be disruptive. In summary, the available evidence is currently insufficient to determine the role of this variant in disease. Therefore, it has been classified as a Variant of Uncertain Significance.

Ambry Genetics
Classification: Uncertain significance for Hereditary cancer-predisposing syndrome. Last evaluated: 2024-04-24. Review status: criteria provided, single submitter. Criteria: Ambry Variant Classification Scheme 2023. Collection method: clinical testing. Allele origin: germline.
Comment: The p.S1013G variant (also known as c.3037A>G), located in coding exon 21 of the PDGFRA gene, results from an A to G substitution at nucleotide position 3037. The serine at codon 1013 is replaced by glycine, an amino acid with similar properties. This amino acid position is conserved. In addition, the in silico prediction for this alteration is inconclusive. Based on the available evidence, the clinical significance of this variant remains unclear.